The following is an entry in ClinVar:

ClinVar aggregate classification (germline): Likely benign. Review status: criteria provided, multiple submitters, no conflicts (2 of 4 stars). 2 submissions from 2 submitters: Likely benign (2). Last evaluated 2026-01-01.

gnomAD v4.1: 111 of 1,613,104 alleles (0.0069%); highest among the groups gnomAD compares: South Asian, 0.023%; no homozygotes.

Submissions (2):

CeGaT Center for Human Genetics Tuebingen
Classification: Likely benign. Last evaluated: 2026-01-01. Review status: criteria provided, single submitter. Criteria: CeGaT Center For Human Genetics Tuebingen Variant Classification Criteria Version 2. Collection method: clinical testing. Allele origin: germline. Affected: yes. Observed: 1 variant allele.
Comment: CAMTA1: BP4, BP7

Labcorp Genetics (formerly Invitae), Labcorp
Classification: Likely benign. Last evaluated: 2023-02-09. Review status: criteria provided, single submitter. Criteria: Invitae Variant Classification Sherloc (09022015). Collection method: clinical testing. Allele origin: germline.

NM_015215.4(CAMTA1):c.1998C>T (p.Ile666=)

Gene: CAMTA1 (calmodulin binding transcription activator 1; plus strand). Cytogenetic location: 1p36.23.
Variant type: single nucleotide variant.
Coding change: c.1998C>T on transcript NM_015215.4 (MANE Select); coding-DNA position 1998, C replaced by T.
Protein change: p.Ile666=; no amino-acid change (isoleucine 666 retained).
Molecular consequence: synonymous variant.
Genome position (GRCh38, 1-based): chr1:7,664,545, C>T. VCF-style: chr1-7664545-C-T. GRCh37 (hg19) VCF-style: chr1-7724605-C-T.
Other names: c.1908C>T, p.Ile636= (NM_001349608.2, NM_001349612.2); c.1998C>T, p.Ile666= (NM_001349609.2, NM_001349610.2, NM_001410737.1); c.1926C>T, p.Ile642= (NM_001410738.1).
Identifiers: ClinVar variation 1925581 (VCV001925581.9), dbSNP rs141192116, ClinGen allele CA566549.